The following is an entry in ClinVar:

NM_022765.4(MICAL1):c.1495_1496del (p.Asp499fs)

Gene: MICAL1 (microtubule associated monooxygenase, calponin and LIM domain containing 1; minus strand). Cytogenetic location: 6q21.
Variant type: Deletion.
Coding change: c.1495_1496del on transcript NM_022765.4 (MANE Select); coding-DNA positions 1495 to 1496, 2 bases deleted (GA; older notation c.1495_1496delGA).
Protein change: p.Asp499fs; shifts the reading frame from aspartic acid 499.
Molecular consequence: frameshift variant.
Genome position (GRCh38, 1-based): chr6:109,449,420-109,449,421, TC deleted on the plus strand (GA on the coding strand, the reverse complement: MICAL1 is on the minus strand); deleting any 2 consecutive bases within chr6:109,449,420-109,449,422 gives the same sequence; the c. name uses the placement nearest the transcript's 3' end. VCF-style (leftmost placement, unchanged base first): chr6-109449419-ATC-A. GRCh37 (hg19) VCF-style: chr6-109770622-ATC-A.
Other names: c.1237_1238del, p.Asp413fs (NM_001159291.2); c.1552_1553del, p.Asp518fs (NM_001286613.2); short protein forms D499fs, D518fs, D413fs.
Identifiers: ClinVar variation 2104581 (VCV002104581.4), dbSNP rs2482793987, ClinGen allele CA2580074768.
Genomic context (GRCh38, chr6:109,449,419, plus strand): 5'-GTACATATTTTGGTCACCCCTTGGGAGGAAGGCCTGCTCACCGGTGGCTGGCATCCCTGT[ATC>A]TGTCTTGTCGTTGTTCCTCTGCACAGGCTCCTTGGCTAGCACATCATACAGGTCTCGTAC-3'

ClinVar aggregate classification (germline): Uncertain significance (1 of 4 stars; one submission).

Submission:

Labcorp Genetics (formerly Invitae), Labcorp
Classification: Uncertain significance. Last evaluated: 2022-02-28. Review status: criteria provided, single submitter. Criteria: Invitae Variant Classification Sherloc (09022015). Collection method: clinical testing. Allele origin: germline.
Comment: This sequence change creates a premature translational stop signal (p.Asp518Tyrfs*40) in the MICAL1 gene. It is expected to result in an absent or disrupted protein product. However, the current clinical and genetic evidence is not sufficient to establish whether loss-of-function variants in MICAL1 cause disease. This variant is not present in population databases (gnomAD no frequency). This variant has not been reported in the literature in individuals affected with MICAL1-related conditions. In summary, the available evidence is currently insufficient to determine the role of this variant in disease. Therefore, it has been classified as a Variant of Uncertain Significance.